The following is an entry in ClinVar:

NM_020831.6(MRTFA):c.2633C>T (p.Ser878Phe)

Gene: MRTFA (myocardin related transcription factor A; minus strand). Cytogenetic location: 22q13.1.
Variant type: single nucleotide variant.
Coding change: c.2633C>T on transcript NM_020831.6 (MANE Select); coding-DNA position 2633, C replaced by T.
Protein change: p.Ser878Phe; replaces serine 878 with phenylalanine.
Molecular consequence: missense variant. On other transcripts: synonymous variant (1).
Genome position (GRCh38, 1-based): chr22:40,411,853, G>A on the plus strand (C>T on the coding strand, the complement: MRTFA is on the minus strand). VCF-style: chr22-40411853-G-A. GRCh37 (hg19) VCF-style: chr22-40807857-G-A.
Other names: c.2333C>T, p.Ser778Phe (NM_001282660.2); c.2483C>T, p.Ser828Phe (NM_001282661.3); c.2643C>T, p.Ile881= (NM_001282662.3); c.2438C>T, p.Ser813Phe (NM_001318139.2); short protein forms S828F, S878F, S813F, S778F.
Identifiers: ClinVar variation 2965333 (VCV002965333.3), dbSNP rs921747128, ClinGen allele CA324458457.

ClinVar aggregate classification (germline): Uncertain significance (1 of 4 stars; one submission).

Allele frequency attached by ClinVar (database versions not stated): gnomAD exomes below 0.00001; TOPMed 0.00003.
gnomAD v4.1: 1 of 1,494,430 alleles (0.000067%); highest among the groups gnomAD compares: Admixed American, 0.0024%; no homozygotes.

Submission:

Labcorp Genetics (formerly Invitae), Labcorp
Classification: Uncertain significance. Last evaluated: 2025-08-24. Review status: criteria provided, single submitter. Criteria: Invitae Variant Classification Sherloc (09022015). Collection method: clinical testing. Allele origin: germline.
Comment: This sequence change replaces serine, which is neutral and polar, with phenylalanine, which is neutral and non-polar, at codon 778 of the MKL1 protein (p.Ser778Phe). This variant is present in population databases (no rsID available, gnomAD 0.006%). This variant has not been reported in the literature in individuals affected with MKL1-related conditions. ClinVar contains an entry for this variant (Variation ID: 2965333). An algorithm developed to predict the effect of missense changes on protein structure and function (PolyPhen-2) suggests that this variant is likely to be tolerated. In summary, the available evidence is currently insufficient to determine the role of this variant in disease. Therefore, it has been classified as a Variant of Uncertain Significance.